The following is an entry in ClinVar:

NM_005633.4(SOS1):c.49C>T (p.Pro17Ser)

Genes: SOS1 (SOS Ras/Rac guanine nucleotide exchange factor 1; minus strand), LOC129933535 (ATAC-STARR-seq lymphoblastoid silent region 11384; plus strand). Cytogenetic location: 2p22.1.
Variant type: single nucleotide variant.
Coding change: c.49C>T on transcript NM_005633.4 (MANE Select); coding-DNA position 49, C replaced by T.
Protein change: p.Pro17Ser; replaces proline 17 with serine.
Molecular consequence: missense variant. On other transcripts: intron variant (1).
Genome position (GRCh38, 1-based): chr2:39,120,374, G>A on the plus strand (C>T on the coding strand, the complement: SOS1 is on the minus strand). VCF-style: chr2-39120374-G-A. GRCh37 (hg19) VCF-style: chr2-39347515-G-A.
Other names: c.49C>T, p.Pro17Ser (NM_001382395.1); c.66+4290C>T (NM_001382394.1); short protein forms P17S.
Identifiers: ClinVar variation 4800176 (VCV004800176.1).
Genomic context (GRCh38, chr2:39,120,374, plus strand): 5'-CGGGGTCCCGCGTGCTCCTCACCTTTTTCAGCGCAGGCACCAGTAGTCCCCGCCACTTGG[G>A]CGCGTTCTCTTCGCTGAAAAACTCGTAGGGCAGCTGCTGCGCCTGCATGGTGCCCCCGGG-3'
Protein context (NP_005624.2, residues 7-27): PYEFFSEENA[Pro17Ser]KWRGLLVPAL

ClinVar aggregate classification (germline): Uncertain significance (1 of 4 stars; one submission).

Conditions:
RASopathy. Also called: rasopathies; Noonan spectrum disorder. Identifiers: Orphanet 536391, MedGen C5555857, MONDO:0021060.

Submission:

Labcorp Genetics (formerly Invitae), Labcorp
Classification: Uncertain significance for RASopathy. Last evaluated: 2026-01-28. Review status: criteria provided, single submitter. Criteria: Invitae Variant Classification Sherloc (09022015). Collection method: clinical testing. Allele origin: germline.
Comment: This sequence change replaces proline, which is neutral and non-polar, with serine, which is neutral and polar, at codon 17 of the SOS1 protein (p.Pro17Ser). This variant is not present in population databases (gnomAD no frequency). This variant has not been reported in the literature in individuals affected with SOS1-related conditions. Invitae Evidence Modeling of protein sequence and biophysical properties (such as structural, functional, and spatial information, amino acid conservation, physicochemical variation, residue mobility, and thermodynamic stability) has been performed for this missense variant. However, the output from this modeling did not meet the statistical confidence thresholds required to predict the impact of this variant on SOS1 protein function. In summary, the available evidence is currently insufficient to determine the role of this variant in disease. Therefore, it has been classified as a Variant of Uncertain Significance.